The following is an entry in ClinVar:

ClinVar aggregate classification (germline): Uncertain significance. Review status: criteria provided, multiple submitters, no conflicts (2 of 4 stars). 3 submissions from 3 submitters: Uncertain significance (3). Last evaluated 2026-07-13.

Conditions:
Cardiovascular phenotype. Identifiers: MedGen CN230736.
Hypertrophic cardiomyopathy 11. Also called: ACTC1-Related Familial Hypertrophic Cardiomyopathy. Identifiers: MedGen C2677506, MONDO:0012799, OMIM 612098.
Dilated cardiomyopathy 1R (CMD1R). Identifiers: Orphanet 154, Orphanet 54260, MedGen C3150681, MONDO:0013261, OMIM 613424.
Atrial septal defect 5 (ASD5). Identifiers: Orphanet 1478, MedGen C2748552, MONDO:0013011, OMIM 612794.

Submissions (3):

Ambry Genetics
Classification: Uncertain significance for Cardiovascular phenotype. Last evaluated: 2026-07-13. Review status: criteria provided, single submitter. Criteria: Ambry Variant Classification Scheme 2023. Collection method: clinical testing. Allele origin: germline.
Comment: The p.D181H variant (also known as c.541G>C), located in coding exon 3 of the ACTC1 gene, results from a G to C substitution at nucleotide position 541. The aspartic acid at codon 181 is replaced by histidine, an amino acid with similar properties. This amino acid position is conserved. In addition, this alteration is predicted to be deleterious by in silico analysis. Based on the available evidence, the clinical significance of this variant remains unclear.

Labcorp Genetics (formerly Invitae), Labcorp
Classification: Uncertain significance for Dilated cardiomyopathy 1R; Hypertrophic cardiomyopathy 11; Atrial septal defect 5. Last evaluated: 2021-12-26. Review status: criteria provided, single submitter. Criteria: Invitae Variant Classification Sherloc (09022015). Collection method: clinical testing. Allele origin: germline.
Comment: This sequence change replaces aspartic acid, which is acidic and polar, with histidine, which is basic and polar, at codon 181 of the ACTC1 protein (p.Asp181His). This variant is not present in population databases (gnomAD no frequency). This variant has not been reported in the literature in individuals affected with ACTC1-related conditions. ClinVar contains an entry for this variant (Variation ID: 180758). Algorithms developed to predict the effect of missense changes on protein structure and function (SIFT, PolyPhen-2, Align-GVGD) all suggest that this variant is likely to be disruptive. In summary, the available evidence is currently insufficient to determine the role of this variant in disease. Therefore, it has been classified as a Variant of Uncertain Significance.

GeneDx
Classification: Uncertain significance. Last evaluated: 2012-10-11. Review status: criteria provided, single submitter. Criteria: GeneDx Variant Classification (06012015). Collection method: clinical testing. Allele origin: germline. Affected: yes.
Comment: p.Asp181His (GAT>CAT):c.541 G>C in exon 4 of the ACTC1 gene (NM_005159.4). The Asp181His variant in the ACTC1 gene has not been reported as a disease-causing mutation or as a benign polymorphism to our knowledge. Asp181His results in a non-conservative amino acid substitution of a negatively charged Aspartic acid residue with a positively charged Histidine residue at a position that is conserved across species. In silico analysis predicts Asp181His is possibly damaging to the protein structure/function. The NHLBI ESP Exome Variant Server reports Asp181His was not observed in approximately 6,500 samples from individuals of European and African American backgrounds, indicating it is not a common benign variant in these populations. However, no mutations have been reported in surrounding residues of the ACTC1 gene, indicating this region of the protein could be tolerant of change.With the clinical and molecular information available at this time, we cannot definitively determine if Asp181His is a disease-causing mutation or a rare benign variant. The variant is found in DCM panel(s).

NM_005159.5(ACTC1):c.541G>C (p.Asp181His)

Genes: ACTC1 (actin alpha cardiac muscle 1; minus strand), GJD2-DT (GJD2 divergent transcript; plus strand). Cytogenetic location: 15q14.
Variant type: single nucleotide variant.
Coding change: c.541G>C on transcript NM_005159.5 (MANE Select); coding-DNA position 541, G replaced by C.
Protein change: p.Asp181His; replaces aspartic acid 181 with histidine.
Molecular consequence: missense variant.
Genome position (GRCh38, 1-based): chr15:34,792,483, C>G on the plus strand (G>C on the coding strand, the complement: ACTC1 is on the minus strand). VCF-style: chr15-34792483-C-G. GRCh37 (hg19) VCF-style: chr15-35084684-C-G.
Other names: p.D181H:GAT>CAT; c.541G>C (LRG_388t1); short protein forms D181H.
Identifiers: ClinVar variation 180758 (VCV000180758.7), dbSNP rs730880393, ClinGen allele CA019819.
Genomic context (GRCh38, chr15:34,792,483, plus strand): 5'-AGTAGCCACGCTCAGTGAGGATCTTCATGAGGTAGTCAGTGAGGTCCCGACCAGCCAGAT[C>G]CAGACGCATGATGGCATGGGGCAAAGCGTAGCCCTCATAGATGGGGACATTGTGAGTTAC-3'
Protein context (NP_005150.1, residues 171-191): YALPHAIMRL[Asp181His]LAGRDLTDYL